The following is an entry in ClinVar:

ClinVar aggregate classification (germline): Uncertain significance. Review status: criteria provided, multiple submitters, no conflicts (2 of 4 stars). 2 submissions from 2 submitters: Uncertain significance (2). Last evaluated 2023-12-10.

Conditions:
TMPRSS15-related disorder. Also called: TMPRSS15-related condition.

Allele frequency attached by ClinVar (database versions not stated): gnomAD exomes 0.00002; gnomAD 0.00003; ExAC 0.00006; TOPMed 0.00006; 1000 Genomes Project 30x 0.00016; 1000 Genomes Project 0.00020.
gnomAD v4.1: 39 of 1,614,188 alleles (0.0024%); highest among the groups gnomAD compares: East Asian, 0.065%; no homozygotes.

Submissions (2):

Labcorp Genetics (formerly Invitae), Labcorp
Classification: Uncertain significance. Last evaluated: 2023-12-10. Review status: criteria provided, single submitter. Criteria: Invitae Variant Classification Sherloc (09022015). Collection method: clinical testing. Allele origin: germline.
Comment: This sequence change replaces serine, which is neutral and polar, with phenylalanine, which is neutral and non-polar, at codon 13 of the TMPRSS15 protein (p.Ser13Phe). This variant is present in population databases (rs201924623, gnomAD 0.07%). This variant has not been reported in the literature in individuals affected with TMPRSS15-related conditions. ClinVar contains an entry for this variant (Variation ID: 2198118). Algorithms developed to predict the effect of missense changes on protein structure and function output the following: SIFT: "Not Available"; PolyPhen-2: "Benign"; Align-GVGD: "Not Available". The phenylalanine amino acid residue is found in multiple mammalian species, which suggests that this missense change does not adversely affect protein function. In summary, the available evidence is currently insufficient to determine the role of this variant in disease. Therefore, it has been classified as a Variant of Uncertain Significance.

PreventionGenetics, part of Exact Sciences
Classification: Uncertain significance for TMPRSS15-related condition. Last evaluated: 2022-10-11. Review status: criteria provided, single submitter. Criteria: ACMG Guidelines, 2015. Collection method: clinical testing. Allele origin: germline.
Comment: The TMPRSS15 c.38C>T variant is predicted to result in the amino acid substitution p.Ser13Phe. To our knowledge, this variant has not been reported in the literature. This variant is reported in 0.075% of alleles in individuals of East Asian descent in gnomAD. At this time, the clinical significance of this variant is uncertain due to the absence of conclusive functional and genetic evidence.

NM_002772.3(TMPRSS15):c.38C>T (p.Ser13Phe)

Gene: TMPRSS15 (transmembrane serine protease 15; minus strand). Cytogenetic location: 21q21.1.
Variant type: single nucleotide variant.
Coding change: c.38C>T on transcript NM_002772.3 (MANE Select); coding-DNA position 38, C replaced by T.
Protein change: p.Ser13Phe; replaces serine 13 with phenylalanine.
Molecular consequence: missense variant.
Genome position (GRCh38, 1-based): chr21:18,403,585, G>A on the plus strand (C>T on the coding strand, the complement: TMPRSS15 is on the minus strand). VCF-style: chr21-18403585-G-A. GRCh37 (hg19) VCF-style: chr21-19775902-G-A.
Other names: c.38C>T (NM_002772.2); short protein forms S13F.
Identifiers: ClinVar variation 2198118 (VCV002198118.3), dbSNP rs201924623, ClinGen allele CA9984882.
Genomic context (GRCh38, chr21:18,403,585, plus strand): 5'-GCACAGAGCACTACCAATATGGCAAAGAGAGCTGCAAACATGATTTCATAGGAGCTGAGA[G>A]AATGATGCCTAGAAGATATGCCTCTTTTCGACCCCATTTTTGGTTTTGAAGGCTTGCTAA-3'
Protein context (NP_002763.3, residues 3-23): SKRGISSRHH[Ser13Phe]LSSYEIMFAA